The following is an entry in ClinVar:

ClinVar aggregate classification (germline): Uncertain significance (1 of 4 stars; one submission).

Conditions:
UCHL1-related disorder. Also called: UCHL1-related condition.

gnomAD v4.1: 7 of 1,614,176 alleles (0.00043%); highest among the groups gnomAD compares: Non-Finnish European, 0.00059%; no homozygotes.

Submission:

PreventionGenetics, part of Exact Sciences
Classification: Uncertain significance for UCHL1-related condition. Last evaluated: 2024-11-03. Review status: criteria provided, single submitter. Criteria: ACMG Guidelines, 2015. Collection method: clinical testing. Allele origin: germline.
Comment: The UCHL1 c.397T>C variant is predicted to result in the amino acid substitution p.Phe133Leu. To our knowledge, this variant has not been reported in the literature. This variant is reported in 0.0035% of alleles in individuals of European (Non-Finnish) descent in gnomAD. At this time, the clinical significance of this variant is uncertain due to the absence of conclusive functional and genetic evidence.

NM_004181.5(UCHL1):c.397T>C (p.Phe133Leu)

Gene: UCHL1 (ubiquitin C-terminal hydrolase L1; plus strand). Cytogenetic location: 4p13.
Variant type: single nucleotide variant.
Coding change: c.397T>C on transcript NM_004181.5 (MANE Select); coding-DNA position 397, T replaced by C.
Protein change: p.Phe133Leu; replaces phenylalanine 133 with leucine.
Molecular consequence: missense variant.
Genome position (GRCh38, 1-based): chr4:41,261,786, T>C. VCF-style: chr4-41261786-T-C. GRCh37 (hg19) VCF-style: chr4-41263803-T-C.
Other names: short protein forms F133L.
Identifiers: ClinVar variation 5002313 (VCV005002313.1).
Genomic context (GRCh38, chr4:41,261,786, plus strand): 5'-GTTCTGAAACAGTTTCTTTCTGAAACAGAGAAAATGTCCCCTGAAGACAGAGCAAAATGC[T>C]TTGAAAAGAATGAGGTAAGAGAACTTACAGAGCATGGCCTTTAAATAACTCTAGAGATTT-3'
Protein context (NP_004172.2, residues 123-143): KMSPEDRAKC[Phe133Leu]EKNEAIQAAH